The following is an entry in ClinVar:

ClinVar aggregate classification (germline): Benign/Likely benign. Review status: criteria provided, multiple submitters, no conflicts (2 of 4 stars). 3 submissions from 3 submitters: Benign (1); Likely benign (2). Last evaluated 2025-03-17.

Conditions:
Gastrointestinal stromal tumor. Also called: Gastrointestinal stromal tumor, somatic; Gastrointestinal stroma tumor. Identifiers: Orphanet 44890, MedGen C0238198, MeSH D046152, MONDO:0011719, OMIM 606764, HP:0100723.
Pheochromocytoma/paraganglioma syndrome 3. Also called: GLOMUS TUMORS, FAMILIAL, 3; SDHC-Related Hereditary Paraganglioma-Pheochromocytoma Syndrome (Paragangliomas 3); Paragangliomas 3; SDHC-Related Hereditary Paraganglioma-Pheochromocytoma Syndrome. Identifiers: Orphanet 29072, MedGen C1854336, MONDO:0011544, OMIM 605373.
Hereditary cancer-predisposing syndrome. Also called: Tumor predisposition; Neoplastic Syndromes, Hereditary; Hereditary neoplastic syndrome; Hereditary Cancer Syndrome. Identifiers: Orphanet 140162, MedGen C0027672, MeSH D009386, MONDO:0015356.

Allele frequency attached by ClinVar (database versions not stated): gnomAD exomes below 0.00001; ExAC 0.00001.
gnomAD v4.1: 1 of 1,613,732 alleles (0.000062%); highest among the groups gnomAD compares: Non-Finnish European, 0.000085%; no homozygotes.

Submissions (3):

Myriad Genetics, Inc.
Classification: Benign for Pheochromocytoma/paraganglioma syndrome 3. Last evaluated: 2025-03-17. Review status: criteria provided, single submitter. Criteria: Myriad Autosomal Dominant, Autosomal Recessive and X-Linked Classification Criteria (2023). Collection method: clinical testing. Allele origin: unknown.
Comment: This variant is considered benign. This variant is a silent/synonymous amino acid change and it is not expected to impact splicing.

Labcorp Genetics (formerly Invitae), Labcorp
Classification: Likely benign for Pheochromocytoma/paraganglioma syndrome 3; Gastrointestinal stromal tumor. Last evaluated: 2023-10-03. Review status: criteria provided, single submitter. Criteria: Invitae Variant Classification Sherloc (09022015). Collection method: clinical testing. Allele origin: germline.

Ambry Genetics
Classification: Likely benign for Hereditary cancer-predisposing syndrome. Last evaluated: 2019-06-16. Review status: criteria provided, single submitter. Criteria: Ambry Variant Classification Scheme 2023. Collection method: clinical testing. Allele origin: germline.

NM_003001.5(SDHC):c.477T>A (p.Thr159=)

Gene: SDHC (succinate dehydrogenase complex subunit C; plus strand). Cytogenetic location: 1q23.3.
Variant type: single nucleotide variant.
Coding change: c.477T>A on transcript NM_003001.5 (MANE Select); coding-DNA position 477, T replaced by A.
Protein change: p.Thr159=; no amino-acid change (threonine 159 retained).
Molecular consequence: synonymous variant. On other transcripts: missense variant (3), non-coding transcript variant (1).
Genome position (GRCh38, 1-based): chr1:161,362,400, T>A. VCF-style: chr1-161362400-T-A. GRCh37 (hg19) VCF-style: chr1-161332190-T-A.
Other names: c.313T>A, p.Cys105Ser (NM_001035511.3); c.375T>A, p.Thr125= (NM_001035512.3); c.318T>A, p.Thr106= (NM_001035513.3); c.211T>A, p.Cys71Ser (NM_001278172.3); c.597T>A, p.Thr199= (NM_001407115.1); c.420T>A, p.Thr140= (NM_001407116.1); c.414T>A, p.Thr138= (NM_001407117.1); c.369T>A, p.Thr123= (NM_001407118.1); and 2 more; short protein forms C105S, C71S, C86S.
Identifiers: ClinVar variation 1062199 (VCV001062199.9), dbSNP rs759055559, ClinGen allele CA047503.